The following is an entry in ClinVar:

ClinVar aggregate classification (germline): Uncertain significance (1 of 4 stars; one submission).

Submission:

Labcorp Genetics (formerly Invitae), Labcorp
Classification: Uncertain significance. Last evaluated: 2025-08-12. Review status: criteria provided, single submitter. Criteria: Invitae Variant Classification Sherloc (09022015). Collection method: clinical testing. Allele origin: germline.
Comment: This variant, c.1729_1731dup, results in the insertion of 1 amino acid(s) of the DLC1 protein (p.Ser577dup), but otherwise preserves the integrity of the reading frame. This variant is present in population databases (no rsID available, gnomAD 0.002%). This variant has not been reported in the literature in individuals affected with DLC1-related conditions. In summary, the available evidence is currently insufficient to determine the role of this variant in disease. Therefore, it has been classified as a Variant of Uncertain Significance.

NM_182643.3(DLC1):c.1729_1731dup (p.Ser577_Pro578insSer)

Gene: DLC1 (DLC1 Rho GTPase activating protein; minus strand). Cytogenetic location: 8p22.
Variant type: Duplication.
Coding change: c.1729_1731dup on transcript NM_182643.3 (MANE Select); coding-DNA positions 1729 to 1731, 3 bases duplicated (AGC; older notation c.1729_1731dupAGC).
Protein change: p.Ser577_Pro578insSer.
Molecular consequence: inframe insertion.
Genome position (GRCh38, 1-based): chr8:13,100,606-13,100,608, GCT duplicated on the plus strand (AGC on the coding strand, the reverse complement: DLC1 is on the minus strand); duplicating any 3 consecutive bases within chr8:13,100,606-13,100,609 gives the same sequence; the c. name uses the placement nearest the transcript's 3' end. VCF-style (leftmost placement, unchanged base first): chr8-13100605-G-GGCT. GRCh37 (hg19) VCF-style: chr8-12958114-G-GGCT.
Other names: c.196_198dup, p.Ser66_Pro67insSer (NM_001164271.2, NM_001348082.2, NM_001348083.1 and 6 more transcripts); c.520_522dup, p.Ser174_Pro175insSer (NM_001316668.2, NM_001413129.1); c.1729_1731dup, p.Ser577_Pro578insSer (NM_001348081.2, NM_001413124.1); c.511_513dup, p.Ser171_Pro172insSer (NM_001413130.1); c.169_171dup, p.Ser57_Pro58insSer (NM_001413131.1, NM_001413137.1); c.655_657dup, p.Ser219_Pro220insSer (NM_001413132.1); c.418_420dup, p.Ser140_Pro141insSer (NM_001413135.1, NM_001413136.1, NM_001413139.1 and 1 more transcripts); c.553_555dup, p.Ser185_Pro186insSer (NM_001413140.1).
Identifiers: ClinVar variation 4797982 (VCV004797982.1).